The following is an entry in ClinVar:

NM_153603.4(COG7):c.1426G>A (p.Gly476Arg)

Gene: COG7 (component of oligomeric golgi complex 7; minus strand). Cytogenetic location: 16p12.2.
Variant type: single nucleotide variant.
Coding change: c.1426G>A on transcript NM_153603.4 (MANE Select); coding-DNA position 1426, G replaced by A.
Protein change: p.Gly476Arg; replaces glycine 476 with arginine.
Molecular consequence: missense variant.
Genome position (GRCh38, 1-based): chr16:23,410,344, C>T on the plus strand (G>A on the coding strand, the complement: COG7 is on the minus strand). VCF-style: chr16-23410344-C-T. GRCh37 (hg19) VCF-style: chr16-23421665-C-T.
Other names: short protein forms G476R.
Identifiers: ClinVar variation 2111089 (VCV002111089.4), dbSNP rs2506584672, ClinGen allele CA395119099.

ClinVar aggregate classification (germline): Uncertain significance (1 of 4 stars; one submission).

Conditions:
COG7 congenital disorder of glycosylation (CDG2E). Also called: CDG IIe; CONGENITAL DISORDER OF GLYCOSYLATION, TYPE IIe. Identifiers: Orphanet 79333, MedGen C2931010, MONDO:0012118, OMIM 608779.

Allele frequency attached by ClinVar (database versions not stated): gnomAD exomes below 0.00001.
gnomAD v4.1: 1 of 1,614,058 alleles (0.000062%); highest among the groups gnomAD compares: Non-Finnish European, 0.000085%; no homozygotes.

Submission:

Labcorp Genetics (formerly Invitae), Labcorp
Classification: Uncertain significance for COG7 congenital disorder of glycosylation. Last evaluated: 2025-12-24. Review status: criteria provided, single submitter. Criteria: Invitae Variant Classification Sherloc (09022015). Collection method: clinical testing. Allele origin: germline.
Comment: This sequence change replaces glycine, which is neutral and non-polar, with arginine, which is basic and polar, at codon 476 of the COG7 protein (p.Gly476Arg). This variant is not present in population databases (gnomAD no frequency). This variant has not been reported in the literature in individuals affected with COG7-related conditions. ClinVar contains an entry for this variant (Variation ID: 2111089). Invitae Evidence Modeling of protein sequence and biophysical properties (such as structural, functional, and spatial information, amino acid conservation, physicochemical variation, residue mobility, and thermodynamic stability) indicates that this missense variant is not expected to disrupt COG7 protein function with a negative predictive value of 80%. Algorithms developed to predict the effect of sequence changes on RNA splicing suggest that this variant may disrupt the consensus splice site. In summary, the available evidence is currently insufficient to determine the role of this variant in disease. Therefore, it has been classified as a Variant of Uncertain Significance.